The following is an entry in ClinVar:

NM_017514.5(PLXNA3):c.1135-4C>T

Gene: PLXNA3 (plexin A3; plus strand). Cytogenetic location: Xq28.
Variant type: single nucleotide variant.
Coding change: c.1135-4C>T on transcript NM_017514.5 (MANE Select); 4 bases into the intron before coding-DNA position 1135, C replaced by T.
Molecular consequence: intron variant.
Genome position (GRCh38, 1-based): chrX:154,462,124, C>T. VCF-style: chrX-154462124-C-T. GRCh37 (hg19) VCF-style: chrX-153690464-C-T.
Identifiers: ClinVar variation 3354999 (VCV003354999.1).

ClinVar aggregate classification (germline): Likely benign (0 of 4 stars; one submission).

Conditions:
PLXNA3-related disorder. Also called: PLXNA3-related condition.

gnomAD v4.1: 1 of 1,173,311 alleles (0.000085%); highest among the groups gnomAD compares: East Asian, 0.0031%; no homozygotes.

Submission:

PreventionGenetics, part of Exact Sciences
Classification: Likely benign for PLXNA3-related condition. Last evaluated: 2022-01-12. Review status: no assertion criteria provided. Collection method: clinical testing. Allele origin: germline.
Comment: This variant is classified as likely benign based on ACMG/AMP sequence variant interpretation guidelines (Richards et al. 2015 PMID: 25741868, with internal and published modifications).